The following is an entry in ClinVar:

NM_003560.4(PLA2G6):c.2202+5G>A

Gene: PLA2G6 (phospholipase A2 group VI; minus strand). Cytogenetic location: 22q13.1.
Variant type: single nucleotide variant.
Coding change: c.2202+5G>A on transcript NM_003560.4 (MANE Select); 5 bases into the intron after coding-DNA position 2202, G replaced by A.
Molecular consequence: intron variant.
Genome position (GRCh38, 1-based): chr22:38,113,482, C>T on the plus strand (G>A on the coding strand, the complement: PLA2G6 is on the minus strand). VCF-style: chr22-38113482-C-T. GRCh37 (hg19) VCF-style: chr22-38509489-C-T.
Other names: c.1524+5G>A (NM_001349868.2); c.2040+5G>A (NM_001349866.2, NM_001199562.3, NM_001349865.2 and 1 more transcripts); c.1506+5G>A (NM_001349869.2); c.1668+5G>A (NM_001349867.2); c.2202+5G>A (NM_001349864.2).
Identifiers: ClinVar variation 159760 (VCV000159760.10), dbSNP rs587784348, ClinGen allele CA173255.

ClinVar aggregate classification (germline): Uncertain significance. Review status: criteria provided, multiple submitters, no conflicts (2 of 4 stars). 3 submissions from 3 submitters: Uncertain significance (3). Last evaluated 2023-05-02.

Conditions:
PLA2G6-associated neurodegeneration (PLAN). Also called: phospholipase A2-associated neurodegeneration. Identifiers: Orphanet 329303, MedGen CN204472, MONDO:0017998.
Infantile neuroaxonal dystrophy (NBIA2A). Also called: SEITELBERGER DISEASE; Infantile neuroaxonal dystrophy 1; NEURODEGENERATION WITH BRAIN IRON ACCUMULATION 2A. Identifiers: Orphanet 35069, MedGen C0270724, MONDO:0024457, OMIM 256600.
Iron accumulation in brain. Identifiers: MedGen C4021076, HP:0012675.

Allele frequency attached by ClinVar (database versions not stated): TOPMed below 0.00001.

Submissions (3):

Broad Center for Mendelian Genomics, Broad Institute of MIT and Harvard
Classification: Uncertain significance for Infantile neuroaxonal dystrophy. Last evaluated: 2023-05-02. Review status: criteria provided, single submitter. Criteria: ACMG Guidelines, 2015. Collection method: curation. Allele origin: germline. Inheritance: Autosomal recessive inheritance.
Comment: Trio exome analysis revealed that this variant was in trans with a pathogenic variant (ClinVar Variation ID: 159749). The c.2202+5G>A variant in PLA2G6 has not been previously reported in individuals with neurodegeneration with brain iron accumulation-2A. This variant was absent from large population studies. This variant has also been reported in ClinVar (Variation ID: 159760) and has been interpreted as a variant of uncertain significance by the University of Chicago Genetic Services Laboratory and Illumina. This variant is located in the 5' splice region. Computational tools do suggest an impact to splicing. However, this information is not predictive enough to determine pathogenicity. In summary, while there is some suspicion for a pathogenic role, the clinical significance of this variant is uncertain. ACMG/AMP Criteria applied: PM2_Supporting, PM3, PP3 (Richards 2015).

Illumina Laboratory Services, Illumina
Classification: Uncertain significance for PLA2G6-associated neurodegeneration. Last evaluated: 2020-02-06. Review status: criteria provided, single submitter. Criteria: ICSLVariantClassificationCriteria RUGD 01 April 2020. Collection method: clinical testing. Allele origin: unknown.
Comment: The PLA2G6 c.2202+5G>A variant is a splice region variant. A literature search was performed for the gene and cDNA change. No publications were found based on this search. This variant is not found in the Genome Aggregation Database in a region of good sequencing coverage, so the variant is presumed to be rare. Based on the limited evidence, the c.2202+5G>A variant is classified as a variant of unknown significance for PLA2G6-associated neurodegeneration.

Genetic Services Laboratory, University of Chicago
Classification: Uncertain significance for iron accumulation in brain. Last evaluated: 2013-02-08. Review status: criteria provided, single submitter. Criteria: ACMG Guidelines, 2007. Collection method: clinical testing. Allele origin: germline. Inheritance: Autosomal recessive inheritance.